The following is an entry in ClinVar:

NC_000001.10:g.(?_100381624)_(100382277_?)del

Gene: AGL (amylo-alpha-1,6-glucosidase and 4-alpha-glucanotransferase; plus strand). Cytogenetic location: 1p21.2.
Variant type: Deletion.
Identifiers: ClinVar variation 3247636 (VCV003247636.1).

ClinVar aggregate classification (germline): Likely pathogenic (1 of 4 stars; one submission).

Conditions:
Glycogen storage disease type III (GSD3). Also called: FORBES DISEASE; Cori disease. Identifiers: Orphanet 366, MedGen C0017922, MONDO:0009291, OMIM 232400.

Submission:

Labcorp Genetics (formerly Invitae), Labcorp
Classification: Likely pathogenic for Glycogen storage disease type III. Last evaluated: 2020-06-07. Review status: criteria provided, single submitter. Criteria: Invitae Variant Classification Sherloc (09022015). Collection method: clinical testing. Allele origin: unknown.
Comment: This variant results in the deletion of exon 32 and part of exon 33 (c.4260-342_4471del) of the AGL gene. It is expected to disrupt RNA splicing and likely results in an absent or disrupted protein product. This variant has not been reported in the literature in individuals with AGL-related conditions. Loss-of-function variants in AGL are known to be pathogenic (PMID: 19299494). In summary, the currently available evidence indicates that the variant is pathogenic, but additional data are needed to prove that conclusively. Therefore, this variant has been classified as Likely Pathogenic.

Literature cited by the submitters: PubMed 19299494.